The following is an entry in ClinVar:

NM_000193.4(SHH):c.1142G>C (p.Arg381Pro)

Gene: SHH (sonic hedgehog signaling molecule; minus strand). Cytogenetic location: 7q36.3.
Variant type: single nucleotide variant.
Coding change: c.1142G>C on transcript NM_000193.4 (MANE Select); coding-DNA position 1142, G replaced by C.
Protein change: p.Arg381Pro; replaces arginine 381 with proline.
Molecular consequence: missense variant. On other transcripts: intron variant (1).
Genome position (GRCh38, 1-based): chr7:155,803,147, C>G on the plus strand (G>C on the coding strand, the complement: SHH is on the minus strand). VCF-style: chr7-155803147-C-G. GRCh37 (hg19) VCF-style: chr7-155595841-C-G.
Other names: c.302-2902G>C (NM_001310462.2); short protein forms R381P.
Identifiers: ClinVar variation 3775141 (VCV003775141.1).

ClinVar aggregate classification (germline): Likely pathogenic (1 of 4 stars; one submission).

Conditions:
Solitary median maxillary central incisor syndrome. Also called: FUSED INCISORS; SINGLE CENTRAL MAXILLARY INCISOR; Solitary median maxillary central incisor; SMMCI SYNDROME; Single Central Incisor Syndrome. Identifiers: MedGen C1840235, MONDO:0007819, OMIM 147250, HP:0006315.

Submission:

Laboratory of Molecular Genetics, CHU Rennes
Classification: Likely pathogenic for Solitary median maxillary central incisor syndrome. Last evaluated: 2025-02-27. Review status: criteria provided, single submitter. Criteria: ACMG Guidelines, 2015. Collection method: clinical testing. Allele origin: maternal. Inheritance: Oligogenic inheritance. Affected: yes.
Comment: The NM_000193.4:c1142G>C, is a missense variant in SHH in the Hint domain (PM1), absent from controls (PM2), predicted pathogenic by prediction tools (PP3).